The following is an entry in ClinVar:

ClinVar aggregate classification (germline): Uncertain significance (1 of 4 stars; one submission).

Conditions:
LAMA2-related muscular dystrophy (LAMA2-RD). Also called: Laminin alpha 2-related dystrophy. Identifiers: MedGen C5679788, MONDO:0100228.

Allele frequency attached by ClinVar (database versions not stated): ExAC 0.00001; gnomAD 0.00001; gnomAD exomes 0.00001.

Submission:

Labcorp Genetics (formerly Invitae), Labcorp
Classification: Uncertain significance for LAMA2-related muscular dystrophy. Last evaluated: 2022-10-13. Review status: criteria provided, single submitter. Criteria: Invitae Variant Classification Sherloc (09022015). Collection method: clinical testing. Allele origin: germline.
Comment: This sequence change replaces methionine, which is neutral and non-polar, with valine, which is neutral and non-polar, at codon 1370 of the LAMA2 protein (p.Met1370Val). This variant is present in population databases (rs764306823, gnomAD 0.003%). This variant has not been reported in the literature in individuals affected with LAMA2-related conditions. ClinVar contains an entry for this variant (Variation ID: 543837). Advanced modeling of protein sequence and biophysical properties (such as structural, functional, and spatial information, amino acid conservation, physicochemical variation, residue mobility, and thermodynamic stability) performed at Invitae indicates that this missense variant is not expected to disrupt LAMA2 protein function. In summary, the available evidence is currently insufficient to determine the role of this variant in disease. Therefore, it has been classified as a Variant of Uncertain Significance.

NM_000426.4(LAMA2):c.4108A>G (p.Met1370Val)

Gene: LAMA2 (laminin subunit alpha 2; plus strand). Cytogenetic location: 6q22.33.
Variant type: single nucleotide variant.
Coding change: c.4108A>G on transcript NM_000426.4 (MANE Select); coding-DNA position 4108, A replaced by G.
Protein change: p.Met1370Val; replaces methionine 1370 with valine.
Molecular consequence: missense variant.
Genome position (GRCh38, 1-based): chr6:129,320,587, A>G. VCF-style: chr6-129320587-A-G. GRCh37 (hg19) VCF-style: chr6-129641732-A-G.
Other names: c.4108A>G, p.Met1370Val (NM_001079823.2); short protein forms M1370V.
Identifiers: ClinVar variation 543837 (VCV000543837.6), dbSNP rs764306823, ClinGen allele CA3993450.
Genomic context (GRCh38, chr6:129,320,587, plus strand): 5'-GCTGTTTCTAGGATTTCTGAAATCTCAATGGAGGTAGCTGAACAAGGACGTGGAACAACA[A>G]TGACTCCTCCAGCTGACTTGATTGAAAAATGTGATTGTCCCCTGGGCTATTCTGGCCTGT-3'
Protein context (NP_000417.3, residues 1360-1380): EVAEQGRGTT[Met1370Val]TPPADLIEKC